The following is an entry in ClinVar:

ClinVar aggregate classification (germline): Uncertain significance. Review status: criteria provided, multiple submitters, no conflicts (2 of 4 stars). 2 submissions from 2 submitters: Uncertain significance (2). Last evaluated 2025-12-13.

Conditions:
Hereditary cancer-predisposing syndrome. Also called: Hereditary neoplastic syndrome; Tumor predisposition; Neoplastic Syndromes, Hereditary; Hereditary Cancer Syndrome. Identifiers: Orphanet 140162, MedGen C0027672, MeSH D009386, MONDO:0015356.

Submissions (2):

Labcorp Genetics (formerly Invitae), Labcorp
Classification: Uncertain significance. Last evaluated: 2025-12-13. Review status: criteria provided, single submitter. Criteria: Invitae Variant Classification Sherloc (09022015). Collection method: clinical testing. Allele origin: germline.
Comment: This sequence change replaces arginine, which is basic and polar, with glutamine, which is neutral and polar, at codon 40 of the NTHL1 protein (p.Arg40Gln). This variant is not present in population databases (gnomAD no frequency). This variant has not been reported in the literature in individuals affected with NTHL1-related conditions. ClinVar contains an entry for this variant (Variation ID: 655064). An algorithm developed to predict the effect of missense changes on protein structure and function outputs the following: PolyPhen-2: "Benign". The glutamine amino acid residue is found in multiple mammalian species, which suggests that this missense change does not adversely affect protein function. In summary, the available evidence is currently insufficient to determine the role of this variant in disease. Therefore, it has been classified as a Variant of Uncertain Significance.

Ambry Genetics
Classification: Uncertain significance for Hereditary cancer-predisposing syndrome. Last evaluated: 2023-11-08. Review status: criteria provided, single submitter. Criteria: Ambry Variant Classification Scheme 2023. Collection method: clinical testing. Allele origin: germline.
Comment: The p.R40Q variant (also known as c.119G>A), located in coding exon 1 of the NTHL1 gene, results from a G to A substitution at nucleotide position 119. The arginine at codon 40 is replaced by glutamine, an amino acid with highly similar properties. This amino acid position is conserved. In addition, this alteration is predicted to be tolerated by in silico analysis. Since supporting evidence is limited at this time, the clinical significance of this alteration remains unclear.

NM_002528.7(NTHL1):c.95G>A (p.Arg32Gln)

Gene: NTHL1 (nth like DNA glycosylase 1; minus strand). Cytogenetic location: 16p13.3.
Variant type: single nucleotide variant.
Coding change: c.95G>A on transcript NM_002528.7 (MANE Select); coding-DNA position 95, G replaced by A.
Protein change: p.Arg32Gln; replaces arginine 32 with glutamine.
Molecular consequence: missense variant. On other transcripts: 5 prime UTR variant (1).
Genome position (GRCh38, 1-based): chr16:2,047,729, C>T on the plus strand (G>A on the coding strand, the complement: NTHL1 is on the minus strand). VCF-style: chr16-2047729-C-T. GRCh37 (hg19) VCF-style: chr16-2097730-C-T.
Other names: c.95G>A, p.Arg32Gln (LRG_1366t1, NM_001318193.2); c.-84G>A (NM_001318194.2); c.119G>A (NM_002528.5); short protein forms R32Q.
Identifiers: ClinVar variation 655064 (VCV000655064.11), dbSNP rs1411639953, ClinGen allele CA394298309.